The following is an entry in ClinVar:

ClinVar aggregate classification (germline): Likely benign. Review status: criteria provided, multiple submitters, no conflicts (2 of 4 stars). 3 submissions from 3 submitters: Likely benign (3). Last evaluated 2025-11-13.

Conditions:
NARS2-related disorder. Also called: NARS2-related condition.

Allele frequency attached by ClinVar (database versions not stated): gnomAD exomes 0.00005; TOPMed 0.00005; gnomAD 0.00009; ExAC 0.00012; ESP Exome Variant Server 0.00015.
gnomAD v4.1: 86 of 1,612,528 alleles (0.0053%); highest among the groups gnomAD compares: Non-Finnish European, 0.0048%; no homozygotes.

Submissions (3):

PreventionGenetics, part of Exact Sciences
Classification: Likely benign for NARS2-related condition. Last evaluated: 2025-11-13. Review status: criteria provided, single submitter. Criteria: ACMG Guidelines, 2015. Collection method: clinical testing. Allele origin: germline.
Comment: This variant is classified as likely benign based on ACMG/AMP sequence variant interpretation guidelines (Richards et al. 2015 PMID: 25741868, with internal and published modifications).

Labcorp Genetics (formerly Invitae), Labcorp
Classification: Likely benign. Last evaluated: 2025-09-23. Review status: criteria provided, single submitter. Criteria: Invitae Variant Classification Sherloc (09022015). Collection method: clinical testing. Allele origin: germline.

CeGaT Center for Human Genetics Tuebingen
Classification: Likely benign. Last evaluated: 2025-05-01. Review status: criteria provided, single submitter. Criteria: CeGaT Center For Human Genetics Tuebingen Variant Classification Criteria Version 2. Collection method: clinical testing. Allele origin: germline. Affected: yes. Observed: 1 variant allele.
Comment: NARS2: BP4, BP7

NM_024678.6(NARS2):c.165C>G (p.Ser55=)

Gene: NARS2 (asparaginyl-tRNA synthetase 2, mitochondrial; minus strand). Cytogenetic location: 11q14.1.
Variant type: single nucleotide variant.
Coding change: c.165C>G on transcript NM_024678.6 (MANE Select); coding-DNA position 165, C replaced by G.
Protein change: p.Ser55=; no amino-acid change (serine 55 retained).
Molecular consequence: synonymous variant. On other transcripts: 5 prime UTR variant (1).
Genome position (GRCh38, 1-based): chr11:78,571,421, G>C on the plus strand (C>G on the coding strand, the complement: NARS2 is on the minus strand). VCF-style: chr11-78571421-G-C. GRCh37 (hg19) VCF-style: chr11-78282466-G-C.
Other names: c.165C>G (NM_024678.5); c.-517C>G (NM_001243251.2, NM_001425310.1, NM_001425313.1 and 1 more transcripts); c.165C>G, p.Ser55= (NM_001425299.1, NM_001425300.1, NM_001425301.1 and 7 more transcripts); c.-392C>G (NM_001425311.1); c.-589C>G (NM_001425312.1).
Identifiers: ClinVar variation 2892777 (VCV002892777.14), dbSNP rs143840885, ClinGen allele CA6205928.